The following is an entry in ClinVar:

ClinVar aggregate classification (germline): Uncertain significance. Review status: criteria provided, multiple submitters, no conflicts (2 of 4 stars). 2 submissions from 2 submitters: Uncertain significance (2). Last evaluated 2025-08-04.

Submissions (2):

Labcorp Genetics (formerly Invitae), Labcorp
Classification: Uncertain significance. Last evaluated: 2025-08-04. Review status: criteria provided, single submitter. Criteria: Invitae Variant Classification Sherloc (09022015). Collection method: clinical testing. Allele origin: germline.
Comment: This sequence change falls in intron 4 of the CFI gene. It does not directly change the encoded amino acid sequence of the CFI protein. It affects a nucleotide within the consensus splice site. This variant is not present in population databases (gnomAD no frequency). This variant has not been reported in the literature in individuals affected with CFI-related conditions. Variants that disrupt the consensus splice site are a relatively common cause of aberrant splicing (PMID: 17576681, 9536098). Algorithms developed to predict the effect of sequence changes on RNA splicing suggest that this variant may disrupt the consensus splice site. In summary, the available evidence is currently insufficient to determine the role of this variant in disease. Therefore, it has been classified as a Variant of Uncertain Significance.

Blueprint Genetics
Classification: Uncertain significance. Last evaluated: 2020-06-30. Review status: criteria provided, single submitter. Criteria: ACMG Guidelines, 2015. Collection method: clinical testing. Allele origin: germline.

Literature cited by the submitters: PubMed 17576681 (cited by Labcorp Genetics (formerly Invitae), Labcorp); PubMed 9536098 (cited by Labcorp Genetics (formerly Invitae), Labcorp).

NM_000204.5(CFI):c.658+5G>A

Gene: CFI (complement factor I; minus strand). Cytogenetic location: 4q25.
Variant type: single nucleotide variant.
Coding change: c.658+5G>A on transcript NM_000204.5 (MANE Select); 5 bases into the intron after coding-DNA position 658, G replaced by A.
Molecular consequence: intron variant.
Genome position (GRCh38, 1-based): chr4:109,761,512, C>T on the plus strand (G>A on the coding strand, the complement: CFI is on the minus strand). VCF-style: chr4-109761512-C-T. GRCh37 (hg19) VCF-style: chr4-110682668-C-T.
Other names: c.658+5G>A (NM_001375282.1, NM_001375280.1, NM_001375281.1 and 10 more transcripts); c.49+5G>A (NM_001375284.1).
Identifiers: ClinVar variation 4724297 (VCV004724297.2).